The following is an entry in ClinVar:

NM_174936.4(PCSK9):c.109G>T (p.Asp37Tyr)

Gene: PCSK9 (proprotein convertase subtilisin/kexin type 9; plus strand). Cytogenetic location: 1p32.3.
Variant type: single nucleotide variant.
Coding change: c.109G>T on transcript NM_174936.4 (MANE Select); coding-DNA position 109, G replaced by T.
Protein change: p.Asp37Tyr; replaces aspartic acid 37 with tyrosine.
Molecular consequence: missense variant. On other transcripts: 5 prime UTR variant (1), non-coding transcript variant (8).
Genome position (GRCh38, 1-based): chr1:55,039,946, G>T. VCF-style: chr1-55039946-G-T. GRCh37 (hg19) VCF-style: chr1-55505619-G-T.
Other names: c.109G>T, p.Asp37Tyr (NM_001407244.1, NM_001407245.1, NM_001407247.1 and 4 more transcripts); c.-626G>T (NM_001407246.1); short protein forms D37Y.
Identifiers: ClinVar variation 4758323 (VCV004758323.1).
Genomic context (GRCh38, chr1:55,039,946, plus strand): 5'-CTGCTGCTGCTGCTGCTCCTGGGTCCCGCGGGCGCCCGTGCGCAGGAGGACGAGGACGGC[G>T]ACTACGAGGAGCTGGTGCTAGCCTTGCGTTCCGAGGAGGACGGCCTGGCCGAAGCACCCG-3'
Protein context (NP_777596.2, residues 27-47): GARAQEDEDG[Asp37Tyr]YEELVLALRS

ClinVar aggregate classification (germline): Uncertain significance (1 of 4 stars; one submission).

Conditions:
Familial hypercholesterolemia. Also called: Familial hypercholesterolaemia. Identifiers: MedGen C0020445, MONDO:0005439.

gnomAD v4.1: 3 of 1,574,634 alleles (0.00019%); highest among the groups gnomAD compares: Non-Finnish European, 0.00026%; no homozygotes.

Submission:

Color Diagnostics, LLC DBA Color Health
Classification: Uncertain significance for Familial hypercholesterolemia. Last evaluated: 2025-05-21. Review status: criteria provided, single submitter. Criteria: ACMG Guidelines, 2015. Collection method: clinical testing. Allele origin: germline.
Comment: This missense variant replaces aspartic acid with tyrosine at codon 37 of the PCSK9 protein. Computational prediction suggests that this variant may not impact protein structure and function. To our knowledge, functional studies have not been reported for this variant. This variant has not been reported in individuals affected with PCSK9-related disorders in the literature. This variant has not been identified in the general population by the Genome Aggregation Database (gnomAD). The available evidence is insufficient to determine the role of this variant in disease conclusively. Therefore, this variant is classified as a Variant of Uncertain Significance.